The following is an entry in ClinVar:

ClinVar aggregate classification (germline): Uncertain significance. Review status: criteria provided, multiple submitters, no conflicts (2 of 4 stars). 2 submissions from 2 submitters: Uncertain significance (2). Last evaluated 2025-07-14.

Conditions:
Hereditary cancer-predisposing syndrome. Also called: Hereditary neoplastic syndrome; Hereditary Cancer Syndrome; Neoplastic Syndromes, Hereditary; Tumor predisposition. Identifiers: Orphanet 140162, MedGen C0027672, MeSH D009386, MONDO:0015356.

Allele frequency attached by ClinVar (database versions not stated): gnomAD exomes below 0.00001; gnomAD 0.00001; TOPMed 0.00001.
gnomAD v4.1: 2 of 1,612,782 alleles (0.00012%); highest among the groups gnomAD compares: African/African-American, 0.0027%; no homozygotes.

Submissions (2):

Ambry Genetics
Classification: Uncertain significance for Hereditary cancer-predisposing syndrome. Last evaluated: 2025-07-14. Review status: criteria provided, single submitter. Criteria: Ambry Variant Classification Scheme 2023. Collection method: clinical testing. Allele origin: germline.
Comment: The p.F180C variant (also known as c.539T>G), located in coding exon 4 of the RAD50 gene, results from a T to G substitution at nucleotide position 539. The phenylalanine at codon 180 is replaced by cysteine, an amino acid with highly dissimilar properties. This amino acid position is highly conserved in available vertebrate species. In addition, this alteration is predicted to be deleterious by in silico analysis. Since supporting evidence is limited at this time, the clinical significance of this alteration remains unclear.

Labcorp Genetics (formerly Invitae), Labcorp
Classification: Uncertain significance for Hereditary cancer-predisposing syndrome. Last evaluated: 2023-11-09. Review status: criteria provided, single submitter. Criteria: Invitae Variant Classification Sherloc (09022015). Collection method: clinical testing. Allele origin: germline.
Comment: This sequence change replaces phenylalanine, which is neutral and non-polar, with cysteine, which is neutral and slightly polar, at codon 180 of the RAD50 protein (p.Phe180Cys). This variant is not present in population databases (gnomAD no frequency). This variant has not been reported in the literature in individuals affected with RAD50-related conditions. ClinVar contains an entry for this variant (Variation ID: 229714). Advanced modeling of protein sequence and biophysical properties (such as structural, functional, and spatial information, amino acid conservation, physicochemical variation, residue mobility, and thermodynamic stability) performed at Invitae indicates that this missense variant is expected to disrupt RAD50 protein function with a positive predictive value of 80%. In summary, the available evidence is currently insufficient to determine the role of this variant in disease. Therefore, it has been classified as a Variant of Uncertain Significance.

NM_005732.4(RAD50):c.539T>G (p.Phe180Cys)

Gene: RAD50 (RAD50 double strand break repair protein; plus strand). Cytogenetic location: 5q31.1.
Variant type: single nucleotide variant.
Coding change: c.539T>G on transcript NM_005732.4 (MANE Select); coding-DNA position 539, T replaced by G.
Protein change: p.Phe180Cys; replaces phenylalanine 180 with cysteine.
Molecular consequence: missense variant.
Genome position (GRCh38, 1-based): chr5:132,579,490, T>G. VCF-style: chr5-132579490-T-G. GRCh37 (hg19) VCF-style: chr5-131915182-T-G.
Other names: short protein forms F180C.
Identifiers: ClinVar variation 229714 (VCV000229714.17), dbSNP rs876658158, ClinGen allele CA10578491.